The following is an entry in ClinVar:

NM_017654.4(SAMD9):c.384G>A (p.Met128Ile)

Gene: SAMD9 (sterile alpha motif domain containing 9; minus strand). Cytogenetic location: 7q21.2.
Variant type: single nucleotide variant.
Coding change: c.384G>A on transcript NM_017654.4 (MANE Select); coding-DNA position 384, G replaced by A.
Protein change: p.Met128Ile; replaces methionine 128 with isoleucine.
Molecular consequence: missense variant.
Genome position (GRCh38, 1-based): chr7:93,105,714, C>T on the plus strand (G>A on the coding strand, the complement: SAMD9 is on the minus strand). VCF-style: chr7-93105714-C-T. GRCh37 (hg19) VCF-style: chr7-92735027-C-T.
Other names: c.384G>A, p.Met128Ile (NM_001193307.2); c.384G>A (NM_017654.3); short protein forms M128I.
Identifiers: ClinVar variation 2795179 (VCV002795179.4), dbSNP rs143535915, ClinGen allele CA368205359.

ClinVar aggregate classification (germline): Uncertain significance. Review status: criteria provided, multiple submitters, no conflicts (2 of 4 stars). 2 submissions from 2 submitters: Uncertain significance (2). Last evaluated 2026-06-15.

Conditions:
Inborn genetic diseases. Identifiers: MedGen C0950123, MeSH D030342.

Allele frequency attached by ClinVar (database versions not stated): gnomAD exomes 0.00001.

Submissions (2):

Ambry Genetics
Classification: Uncertain significance for Inborn genetic diseases. Last evaluated: 2026-06-15. Review status: criteria provided, single submitter. Criteria: Ambry Variant Classification Scheme 2023. Collection method: clinical testing. Allele origin: germline.
Comment: The p.M128I variant (also known as c.384G>A), located in coding exon 1 of the SAMD9 gene, results from a G to A substitution at nucleotide position 384. The methionine at codon 128 is replaced by isoleucine, an amino acid with highly similar properties. This amino acid position is conserved. In addition, this alteration is predicted to be tolerated by in silico analysis. Based on the available evidence, the clinical significance of this variant remains unclear.

Labcorp Genetics (formerly Invitae), Labcorp
Classification: Uncertain significance. Last evaluated: 2023-11-10. Review status: criteria provided, single submitter. Criteria: Invitae Variant Classification Sherloc (09022015). Collection method: clinical testing. Allele origin: germline.
Comment: This sequence change replaces methionine, which is neutral and non-polar, with isoleucine, which is neutral and non-polar, at codon 128 of the SAMD9 protein (p.Met128Ile). This variant is present in population databases (no rsID available, gnomAD 0.006%). This variant has not been reported in the literature in individuals affected with SAMD9-related conditions. Advanced modeling of protein sequence and biophysical properties (such as structural, functional, and spatial information, amino acid conservation, physicochemical variation, residue mobility, and thermodynamic stability) performed at Invitae indicates that this missense variant is not expected to disrupt SAMD9 protein function with a negative predictive value of 95%. In summary, the available evidence is currently insufficient to determine the role of this variant in disease. Therefore, it has been classified as a Variant of Uncertain Significance.